The following is an entry in ClinVar:

ClinVar aggregate classification (germline): Uncertain significance (1 of 4 stars; one submission).

gnomAD v4.1: 2 of 1,603,796 alleles (0.00012%); highest among the groups gnomAD compares: East Asian, 0.0022%; no homozygotes.

Submission:

Ambry Genetics
Classification: Uncertain significance. Last evaluated: 2024-09-14. Review status: criteria provided, single submitter. Criteria: Ambry Variant Classification Scheme 2023. Collection method: clinical testing. Allele origin: germline.
Comment: The p.T659A variant (also known as c.1975A>G), located in coding exon 11 of the PKP4 gene, results from an A to G substitution at nucleotide position 1975. The threonine at codon 659 is replaced by alanine, an amino acid with similar properties. This amino acid position is conserved. In addition, this alteration is predicted to be tolerated by in silico analysis. Based on the available evidence, the clinical significance of this variant remains unclear.

NM_003628.6(PKP4):c.1975A>G (p.Thr659Ala)

Gene: PKP4 (plakophilin 4; plus strand). Cytogenetic location: 2q24.1.
Variant type: single nucleotide variant.
Coding change: c.1975A>G on transcript NM_003628.6 (MANE Select); coding-DNA position 1975, A replaced by G.
Protein change: p.Thr659Ala; replaces threonine 659 with alanine.
Molecular consequence: missense variant.
Genome position (GRCh38, 1-based): chr2:158,658,196, A>G. VCF-style: chr2-158658196-A-G. GRCh37 (hg19) VCF-style: chr2-159514708-A-G.
Other names: c.1975A>G, p.Thr659Ala (NM_001005476.4, NM_001304971.2, NM_001377218.1 and 1 more transcripts); c.1972A>G, p.Thr658Ala (NM_001304969.3, NM_001377219.1, NM_001377220.1 and 2 more transcripts); c.946A>G, p.Thr316Ala (NM_001304970.3); c.1969A>G, p.Thr657Ala (NM_001377222.1, NM_001377223.1); c.1966A>G, p.Thr656Ala (NM_001377224.1); short protein forms T656A, T658A, T659A, T657A, T316A.
Identifiers: ClinVar variation 3419575 (VCV003419575.1).
Genomic context (GRCh38, chr2:158,658,196, plus strand): 5'-CTTTGGAATTTATCCTCATGTGATGCTGTAAAAATGACAATCATTCGAGATGCTCTCTCA[A>G]CCTTAACAAACACTGTGATTGTTCCACATTCTGGATGGAATAACTCTTCTTTTGATGATG-3'
Protein context (NP_003619.2, residues 649-669): KMTIIRDALS[Thr659Ala]LTNTVIVPHS